The following is an entry in ClinVar:

NM_003105.6(SORL1):c.6318G>A (p.Gln2106=)

Gene: SORL1 (sortilin related receptor 1; plus strand). Cytogenetic location: 11q24.1.
Variant type: single nucleotide variant.
Coding change: c.6318G>A on transcript NM_003105.6 (MANE Select); coding-DNA position 6318, G replaced by A.
Protein change: p.Gln2106=; no amino-acid change (glutamine 2106 retained).
Molecular consequence: synonymous variant.
Genome position (GRCh38, 1-based): chr11:121,625,231, G>A. VCF-style: chr11-121625231-G-A. GRCh37 (hg19) VCF-style: chr11-121495940-G-A.
Identifiers: ClinVar variation 769377 (VCV000769377.16), dbSNP rs149393026, ClinGen allele CA6330231.

ClinVar aggregate classification (germline): Benign/Likely benign. Review status: criteria provided, multiple submitters, no conflicts (2 of 4 stars). 6 submissions from 6 submitters: Benign (2); Likely benign (1). 3 of the submissions do not count toward it. Last evaluated 2025-12-24.

Conditions:
SORL1-related disorder. Also called: SORL1-related condition.

Allele frequency attached by ClinVar (database versions not stated): 1000 Genomes Project 30x 0.00031; 1000 Genomes Project 0.00040; gnomAD 0.00102 and 0.00104; ESP Exome Variant Server 0.00108; TOPMed 0.00108; gnomAD exomes 0.00113; ExAC 0.00124.

Submissions (6):

Labcorp Genetics (formerly Invitae), Labcorp
Classification: Benign. Last evaluated: 2025-12-24. Review status: criteria provided, single submitter. Criteria: Invitae Variant Classification Sherloc (09022015). Collection method: clinical testing. Allele origin: germline.

Blueprint Genetics
Classification: Likely benign. Last evaluated: 2024-11-26. Review status: criteria provided, single submitter. Criteria: ACMG Guidelines, 2015. Collection method: clinical testing. Allele origin: germline.

Breakthrough Genomics
Classification: Benign. Review status: criteria provided, single submitter. Criteria: ACMG Guidelines, 2015. Collection method: not provided. Allele origin: germline. Inheritance: Unknown mechanism. Affected: yes.

PreventionGenetics, part of Exact Sciences
Classification: Likely benign for SORL1-related condition. Last evaluated: 2019-03-01. Review status: no assertion criteria provided. Collection method: clinical testing. Allele origin: germline. Not counted in ClinVar's aggregate classification.
Comment: This variant is classified as likely benign based on ACMG/AMP sequence variant interpretation guidelines (Richards et al. 2015 PMID: 25741868, with internal and published modifications).

Clinical Genetics DNA and cytogenetics Diagnostics Lab, Erasmus MC, Erasmus Medical Center
Classification: Likely benign. Review status: no assertion criteria provided. Collection method: clinical testing. Allele origin: germline. Affected: yes. Study: VKGL Data-share Consensus. Not counted in ClinVar's aggregate classification.

Genome Diagnostics Laboratory, Amsterdam University Medical Center
Classification: Likely benign. Review status: no assertion criteria provided. Collection method: clinical testing. Allele origin: germline. Affected: yes. Study: VKGL Data-share Consensus. Not counted in ClinVar's aggregate classification.